The following is an entry in ClinVar:

ClinVar aggregate classification (germline): Conflicting classifications of pathogenicity. Review status: criteria provided, conflicting classifications (1 of 4 stars). 3 submissions from 3 submitters: Uncertain significance (2); Likely benign (1). Last evaluated 2026-01-07.

Conditions:
Upshaw-Schulman syndrome (TTP). Also called: THROMBOTIC THROMBOCYTOPENIC PURPURA, HEREDITARY; Congenital thrombotic thrombocytopenic purpura. Identifiers: Orphanet 93583, MedGen C1268935, MONDO:0010122, OMIM 274150.

gnomAD v4.1: 18 of 1,604,616 alleles (0.0011%); highest among the groups gnomAD compares: East Asian, 0.0045%; no homozygotes.

Submissions (3):

Labcorp Genetics (formerly Invitae), Labcorp
Classification: Likely benign. Last evaluated: 2026-01-07. Review status: criteria provided, single submitter. Criteria: Invitae Variant Classification Sherloc (09022015). Collection method: clinical testing. Allele origin: germline.

Fulgent Genetics
Classification: Uncertain significance for Upshaw-Schulman syndrome. Last evaluated: 2024-04-26. Review status: criteria provided, single submitter. Criteria: ACMG Guidelines, 2015. Collection method: clinical testing. Allele origin: germline.

Illumina Laboratory Services, Illumina
Classification: Uncertain significance for Upshaw-Schulman syndrome. Last evaluated: 2017-04-27. Review status: criteria provided, single submitter. Criteria: ICSL Variant Classification Criteria 13 December 2019. Collection method: clinical testing. Allele origin: germline.
Comment: This variant was observed as part of a predisposition screen in an ostensibly healthy population. A literature search was performed for the gene, cDNA change, and amino acid change (where applicable). Publications were found based on this search. However, the evidence from the literature, in combination with allele frequency data from public databases where available, was not sufficient to rule this variant in or out of causing disease. Therefore, this variant is classified as a variant of unknown significance.

Literature cited by the submitters: PubMed 20886194 (cited by Illumina Laboratory Services, Illumina).

NM_139027.6(ADAMTS13):c.3657C>T (p.Cys1219=)

Gene: ADAMTS13 (ADAM metallopeptidase with thrombospondin type 1 motif 13; plus strand). Cytogenetic location: 9q34.2.
Variant type: single nucleotide variant.
Coding change: c.3657C>T on transcript NM_139027.6 (MANE Select); coding-DNA position 3657, C replaced by T.
Protein change: p.Cys1219=; no amino-acid change (cysteine 1219 retained).
Molecular consequence: synonymous variant. On other transcripts: non-coding transcript variant (1).
Genome position (GRCh38, 1-based): chr9:133,456,652, C>T. VCF-style: chr9-133456652-C-T. GRCh37 (hg19) VCF-style: chr9-136321774-C-T.
Other names: c.3825C>T, p.Cys1275= (NM_139025.5); c.3564C>T, p.Cys1188= (NM_139026.6).
Identifiers: ClinVar variation 912815 (VCV000912815.9), dbSNP rs782463983, ClinGen allele CA200945494.